The following is an entry in ClinVar:

NM_152703.5(SAMD9L):c.1507G>T (p.Asp503Tyr)

Gene: SAMD9L (sterile alpha motif domain containing 9 like; minus strand). Cytogenetic location: 7q21.2.
Variant type: single nucleotide variant.
Coding change: c.1507G>T on transcript NM_152703.5 (MANE Select); coding-DNA position 1507, G replaced by T.
Protein change: p.Asp503Tyr; replaces aspartic acid 503 with tyrosine.
Molecular consequence: missense variant.
Genome position (GRCh38, 1-based): chr7:93,134,465, C>A on the plus strand (G>T on the coding strand, the complement: SAMD9L is on the minus strand). VCF-style: chr7-93134465-C-A. GRCh37 (hg19) VCF-style: chr7-92763778-C-A.
Other names: c.1507G>T, p.Asp503Tyr (NM_001303496.3, NM_001303497.3, NM_001303498.3 and 5 more transcripts); c.1507G>T (NM_152703.3); short protein forms D503Y.
Identifiers: ClinVar variation 3792265 (VCV003792265.2).

ClinVar aggregate classification (germline): Uncertain significance. Review status: criteria provided, multiple submitters, no conflicts (2 of 4 stars). 2 submissions from 2 submitters: Uncertain significance (2). Last evaluated 2025-02-24.

Conditions:
SAMD9L-related disorder. Also called: SAMD9L-related disorders; SAMD9L-related condition.
Inborn genetic diseases. Identifiers: MedGen C0950123, MeSH D030342.

gnomAD v4.1: 5 of 1,613,808 alleles (0.00031%); highest among the groups gnomAD compares: African/African-American, 0.0013%; no homozygotes.

Submissions (2):

PreventionGenetics, part of Exact Sciences
Classification: Uncertain significance for SAMD9L-related condition. Last evaluated: 2025-02-24. Review status: criteria provided, single submitter. Criteria: ACMG Guidelines, 2015. Collection method: clinical testing. Allele origin: germline.
Comment: The SAMD9L c.1507G>T variant is predicted to result in the amino acid substitution p.Asp503Tyr. To our knowledge, this variant has not been reported in the literature or in a large population database (gnomAD), indicating this variant is rare. At this time, the clinical significance of this variant is uncertain due to the absence of conclusive functional and genetic evidence.

Ambry Genetics
Classification: Uncertain significance for Inborn genetic diseases. Last evaluated: 2025-01-01. Review status: criteria provided, single submitter. Criteria: Ambry Variant Classification Scheme 2023. Collection method: clinical testing. Allele origin: germline.
Comment: The p.D503Y variant (also known as c.1507G>T), located in coding exon 1 of the SAMD9L gene, results from a G to T substitution at nucleotide position 1507. The aspartic acid at codon 503 is replaced by tyrosine, an amino acid with highly dissimilar properties. This amino acid position is conserved. In addition, the in silico prediction for this alteration is inconclusive. Based on the available evidence, the clinical significance of this variant remains unclear.